The following is an entry in ClinVar:

NM_014633.5(CTR9):c.3443G>A (p.Gly1148Glu)

Gene: CTR9 (CTR9 component of Paf1/RNA polymerase II complex; plus strand). Cytogenetic location: 11p15.4.
Variant type: single nucleotide variant.
Coding change: c.3443G>A on transcript NM_014633.5 (MANE Select); coding-DNA position 3443, G replaced by A.
Protein change: p.Gly1148Glu; replaces glycine 1148 with glutamic acid.
Molecular consequence: missense variant.
Genome position (GRCh38, 1-based): chr11:10,779,026, G>A. VCF-style: chr11-10779026-G-A. GRCh37 (hg19) VCF-style: chr11-10800573-G-A.
Other names: c.3371G>A, p.Gly1124Glu (NM_001346279.2); short protein forms G1124E, G1148E.
Identifiers: ClinVar variation 2420464 (VCV002420464.5), dbSNP rs764417096, ClinGen allele CA5885589.

ClinVar aggregate classification (germline): Uncertain significance (1 of 4 stars; one submission).

Allele frequency attached by ClinVar (database versions not stated): gnomAD 0.00002; ExAC 0.00003.
gnomAD v4.1: 17 of 1,614,060 alleles (0.0011%); highest among the groups gnomAD compares: South Asian, 0.018%; no homozygotes.

Submission:

Labcorp Genetics (formerly Invitae), Labcorp
Classification: Uncertain significance. Last evaluated: 2022-01-22. Review status: criteria provided, single submitter. Criteria: Invitae Variant Classification Sherloc (09022015). Collection method: clinical testing. Allele origin: germline.
Comment: In summary, the available evidence is currently insufficient to determine the role of this variant in disease. Therefore, it has been classified as a Variant of Uncertain Significance. Algorithms developed to predict the effect of missense changes on protein structure and function are either unavailable or do not agree on the potential impact of this missense change (SIFT: "Tolerated"; PolyPhen-2: "Probably Damaging"; Align-GVGD: "Class C0"). This variant has not been reported in the literature in individuals affected with CTR9-related conditions. This variant is present in population databases (rs764417096, gnomAD 0.02%). This sequence change replaces glycine, which is neutral and non-polar, with glutamic acid, which is acidic and polar, at codon 1148 of the CTR9 protein (p.Gly1148Glu).